The following is an entry in ClinVar:

NM_015386.3(COG4):c.317G>A (p.Cys106Tyr)

Gene: COG4 (component of oligomeric golgi complex 4; minus strand). Cytogenetic location: 16q22.1.
Variant type: single nucleotide variant.
Coding change: c.317G>A on transcript NM_015386.3 (MANE Select); coding-DNA position 317, G replaced by A.
Protein change: p.Cys106Tyr; replaces cysteine 106 with tyrosine.
Molecular consequence: missense variant. On other transcripts: 5 prime UTR variant (1), non-coding transcript variant (1).
Genome position (GRCh38, 1-based): chr16:70,517,678, C>T on the plus strand (G>A on the coding strand, the complement: COG4 is on the minus strand). VCF-style: chr16-70517678-C-T. GRCh37 (hg19) VCF-style: chr16-70551581-C-T.
Other names: c.305G>A, p.Cys102Tyr (NM_001195139.2); c.-283G>A (NM_001365426.1); short protein forms C102Y, C106Y.
Identifiers: ClinVar variation 1211227 (VCV001211227.3), dbSNP rs1015364245, ClinGen allele CA283460154.

ClinVar aggregate classification (germline): Uncertain significance (1 of 4 stars; one submission).

Allele frequency attached by ClinVar (database versions not stated): gnomAD 0.00001; gnomAD exomes 0.00001; TOPMed 0.00002.

Submission:

GeneDx
Classification: Uncertain significance. Last evaluated: 2021-02-12. Review status: criteria provided, single submitter. Criteria: GeneDx Variant Classification Process June 2021. Collection method: clinical testing. Allele origin: germline. Affected: yes.
Comment: Not observed at a significant frequency in large population cohorts (Lek et al., 2016); In silico analysis supports that this missense variant has a deleterious effect on protein structure/function; Has not been previously published as pathogenic or benign to our knowledge